The following is an entry in ClinVar:

ClinVar aggregate classification (germline): Likely benign (0 of 4 stars; one submission).

Conditions:
STARD9-related disorder. Also called: STARD9-related condition.

Allele frequency attached by ClinVar (database versions not stated): gnomAD exomes 0.00013; ExAC 0.00051; gnomAD 0.00133; TOPMed 0.00151; 1000 Genomes Project 0.00200; 1000 Genomes Project 30x 0.00250.

Submission:

PreventionGenetics, part of Exact Sciences
Classification: Likely benign for STARD9-related condition. Last evaluated: 2022-05-09. Review status: no assertion criteria provided. Collection method: clinical testing. Allele origin: germline.
Comment: This variant is classified as likely benign based on ACMG/AMP sequence variant interpretation guidelines (Richards et al. 2015 PMID: 25741868, with internal and published modifications).

NM_020759.3(STARD9):c.11411G>A (p.Ser3804Asn)

Gene: STARD9 (StAR related lipid transfer domain containing 9; plus strand). Cytogenetic location: 15q15.2.
Variant type: single nucleotide variant.
Coding change: c.11411G>A on transcript NM_020759.3 (MANE Select); coding-DNA position 11411, G replaced by A.
Protein change: p.Ser3804Asn; replaces serine 3804 with asparagine.
Molecular consequence: missense variant.
Genome position (GRCh38, 1-based): chr15:42,692,989, G>A. VCF-style: chr15-42692989-G-A. GRCh37 (hg19) VCF-style: chr15-42985187-G-A.
Other names: short protein forms S3804N.
Identifiers: ClinVar variation 3044998 (VCV003044998.2), dbSNP rs188799560, ClinGen allele CA7514817.